The following is an entry in ClinVar:

NM_020937.4(FANCM):c.4005dup (p.Val1336fs)

Gene: FANCM (FA complementation group M; plus strand). Cytogenetic location: 14q21.2.
Variant type: Duplication.
Coding change: c.4005dup on transcript NM_020937.4 (MANE Select); coding-DNA position 4005, one base duplicated (A; older notation c.4005dupA).
Protein change: p.Val1336fs; shifts the reading frame from valine 1336.
Molecular consequence: frameshift variant.
Genome position (GRCh38, 1-based): chr14:45,176,759, A duplicated; the last of 8 consecutive A bases (chr14:45,176,752-45,176,759); duplicating any one gives the same sequence. VCF-style (leftmost placement, unchanged base first): chr14-45176751-C-CA. GRCh37 (hg19) VCF-style: chr14-45645954-C-CA.
Other names: c.3927dup, p.Val1310fs (NM_001308133.2); short protein forms V1310fs, V1336fs.
Identifiers: ClinVar variation 1070030 (VCV001070030.34), dbSNP rs746983128, ClinGen allele CA7169612.

ClinVar aggregate classification (germline): Pathogenic/Likely pathogenic. Review status: criteria provided, multiple submitters, no conflicts (2 of 4 stars). 2 submissions from 2 submitters: Pathogenic (1); Likely pathogenic (1). Last evaluated 2025-08-01.

Conditions:
Fanconi anemia (FA). Also called: Fanconi's anemia. Identifiers: Orphanet 84, MedGen C0015625, MeSH D005199, MONDO:0019391.

Submissions (2):

CeGaT Center for Human Genetics Tuebingen
Classification: Likely pathogenic. Last evaluated: 2025-08-01. Review status: criteria provided, single submitter. Criteria: CeGaT Center For Human Genetics Tuebingen Variant Classification Criteria Version 2. Collection method: clinical testing. Allele origin: germline. Affected: yes. Observed: 3 variant alleles.
Comment: FANCM: PVS1, PM2:Supporting

Labcorp Genetics (formerly Invitae), Labcorp
Classification: Pathogenic for Fanconi anemia. Last evaluated: 2020-03-04. Review status: criteria provided, single submitter. Criteria: Invitae Variant Classification Sherloc (09022015). Collection method: clinical testing. Allele origin: germline.
Comment: For these reasons, this variant has been classified as Pathogenic. Loss-of-function variants in FANCM are known to be pathogenic (PMID: 29895858, 30075111). This variant has not been reported in the literature in individuals with FANCM-related conditions. The frequency data for this variant in the population databases is considered unreliable, as metrics indicate poor data quality at this position in the ExAC database. This sequence change creates a premature translational stop signal (p.Val1336Serfs*8) in the FANCM gene. It is expected to result in an absent or disrupted protein product.

Literature cited by the submitters: PubMed 29895858 (cited by Labcorp Genetics (formerly Invitae), Labcorp); PubMed 30075111 (cited by Labcorp Genetics (formerly Invitae), Labcorp).